The following is an entry in ClinVar:

ClinVar aggregate classification (germline): Uncertain significance (1 of 4 stars; one submission).

Allele frequency attached by ClinVar (database versions not stated): gnomAD exomes 0.00001.
gnomAD v4.1: 3 of 1,534,712 alleles (0.0002%); highest among the groups gnomAD compares: Admixed American, 0.002%; no homozygotes.

Submission:

Labcorp Genetics (formerly Invitae), Labcorp
Classification: Uncertain significance. Last evaluated: 2022-04-10. Review status: criteria provided, single submitter. Criteria: Invitae Variant Classification Sherloc (09022015). Collection method: clinical testing. Allele origin: germline.
Comment: This variant has not been reported in the literature in individuals affected with ARHGEF18-related conditions. This variant is not present in population databases (gnomAD no frequency). This sequence change replaces alanine, which is neutral and non-polar, with threonine, which is neutral and polar, at codon 866 of the ARHGEF18 protein (p.Ala866Thr). Algorithms developed to predict the effect of missense changes on protein structure and function are either unavailable or do not agree on the potential impact of this missense change (SIFT: "Deleterious"; PolyPhen-2: "Possibly Damaging"; Align-GVGD: "Class C0"). In summary, the available evidence is currently insufficient to determine the role of this variant in disease. Therefore, it has been classified as a Variant of Uncertain Significance.

NM_001367823.1(ARHGEF18):c.3160G>A (p.Ala1054Thr)

Gene: ARHGEF18 (Rho/Rac guanine nucleotide exchange factor 18; plus strand). Cytogenetic location: 19p13.2.
Variant type: single nucleotide variant.
Coding change: c.3160G>A on transcript NM_001367823.1 (MANE Select); coding-DNA position 3160, G replaced by A.
Protein change: p.Ala1054Thr; replaces alanine 1054 with threonine.
Molecular consequence: missense variant.
Genome position (GRCh38, 1-based): chr19:7,467,364, G>A. VCF-style: chr19-7467364-G-A. GRCh37 (hg19) VCF-style: chr19-7532250-G-A.
Other names: c.2434G>A, p.Ala812Thr (NM_001130955.2); c.2122G>A, p.Ala708Thr (NM_001367824.1, NM_015318.4); short protein forms A1054T, A812T, A708T.
Identifiers: ClinVar variation 2124091 (VCV002124091.4), dbSNP rs1359446974, ClinGen allele CA403087415.